The following is an entry in ClinVar:

NM_018706.7(DHTKD1):c.1055C>G (p.Pro352Arg)

Gene: DHTKD1 (dehydrogenase E1 and transketolase domain containing 1; plus strand). Cytogenetic location: 10p14.
Variant type: single nucleotide variant.
Coding change: c.1055C>G on transcript NM_018706.7 (MANE Select); coding-DNA position 1055, C replaced by G.
Protein change: p.Pro352Arg; replaces proline 352 with arginine.
Molecular consequence: missense variant.
Genome position (GRCh38, 1-based): chr10:12,091,580, C>G. VCF-style: chr10-12091580-C-G. GRCh37 (hg19) VCF-style: chr10-12133579-C-G.
Other names: short protein forms P352R.
Identifiers: ClinVar variation 2792562 (VCV002792562.3), dbSNP rs2491481693, ClinGen allele CA376019277.

ClinVar aggregate classification (germline): Uncertain significance (1 of 4 stars; one submission).

Conditions:
2-aminoadipic 2-oxoadipic aciduria (AAKAD). Also called: ALPHA-AMINOADIPIC AND ALPHA-KETOADIPIC ACIDURIA; Aminoadipic aciduria. Identifiers: Orphanet 79154, MedGen C1859817, MONDO:0008774, OMIM 204750.

Submission:

Labcorp Genetics (formerly Invitae), Labcorp
Classification: Uncertain significance for 2-aminoadipic 2-oxoadipic aciduria. Last evaluated: 2023-04-22. Review status: criteria provided, single submitter. Criteria: Invitae Variant Classification Sherloc (09022015). Collection method: clinical testing. Allele origin: germline.
Comment: In summary, the available evidence is currently insufficient to determine the role of this variant in disease. Therefore, it has been classified as a Variant of Uncertain Significance. Algorithms developed to predict the effect of sequence changes on RNA splicing suggest that this variant may create or strengthen a splice site. Advanced modeling of protein sequence and biophysical properties (such as structural, functional, and spatial information, amino acid conservation, physicochemical variation, residue mobility, and thermodynamic stability) has been performed at Invitae for this missense variant, however the output from this modeling did not meet the statistical confidence thresholds required to predict the impact of this variant on DHTKD1 protein function. This variant has not been reported in the literature in individuals affected with DHTKD1-related conditions. This variant is not present in population databases (gnomAD no frequency). This sequence change replaces proline, which is neutral and non-polar, with arginine, which is basic and polar, at codon 352 of the DHTKD1 protein (p.Pro352Arg).